The following is an entry in ClinVar:

NM_006904.7(PRKDC):c.3191A>G (p.Tyr1064Cys)

Gene: PRKDC (protein kinase, DNA-activated, catalytic subunit; minus strand). Cytogenetic location: 8q11.21.
Variant type: single nucleotide variant.
Coding change: c.3191A>G on transcript NM_006904.7 (MANE Select); coding-DNA position 3191, A replaced by G.
Protein change: p.Tyr1064Cys; replaces tyrosine 1064 with cysteine.
Molecular consequence: missense variant.
Genome position (GRCh38, 1-based): chr8:47,902,647, T>C on the plus strand (A>G on the coding strand, the complement: PRKDC is on the minus strand). VCF-style: chr8-47902647-T-C. GRCh37 (hg19) VCF-style: chr8-48815207-T-C.
Other names: c.3191A>G, p.Tyr1064Cys (NM_001081640.2); short protein forms Y1064C.
Identifiers: ClinVar variation 1728672 (VCV001728672.2), dbSNP rs2089708687, ClinGen allele CA371156750.
Genomic context (GRCh38, chr8:47,902,647, plus strand): 5'-TTATTAAAGGCAAGTGATGCTCCCAGCCTCTTGAAAGCATTGGGGTGAAGCGCAAGGCTA[T>C]AAAGTCGCTTGAAAAGCGATTTGGTGTTTACTGGACTCTTCTCCTGCTGCTGTGGTGTTA-3'
Protein context (NP_008835.5, residues 1054-1074): VNTKSLFKRL[Tyr1064Cys]SLALHPNAFK

ClinVar aggregate classification (germline): Uncertain significance (1 of 4 stars; one submission).

Allele frequency attached by ClinVar (database versions not stated): TOPMed below 0.00001; gnomAD 0.00001.
gnomAD v4.1: 1 of 1,613,734 alleles (0.000062%); highest among the groups gnomAD compares: African/African-American, 0.0013%; no homozygotes.

Submission:

Ambry Genetics
Classification: Uncertain significance. Last evaluated: 2021-11-05. Review status: criteria provided, single submitter. Criteria: Ambry Variant Classification Scheme 2023. Collection method: clinical testing. Allele origin: germline.
Comment: The p.Y1064C variant (also known as c.3191A>G), located in coding exon 27 of the PRKDC gene, results from an A to G substitution at nucleotide position 3191. The tyrosine at codon 1064 is replaced by cysteine, an amino acid with highly dissimilar properties. This amino acid position is conserved. In addition, the in silico prediction for this alteration is inconclusive. Since supporting evidence is limited at this time, the clinical significance of this alteration remains unclear.